The following is an entry in ClinVar:

ClinVar aggregate classification (germline): Likely benign. Review status: criteria provided, multiple submitters, no conflicts (2 of 4 stars). 3 submissions from 3 submitters: Likely benign (3). Last evaluated 2025-03-04.

Conditions:
COL18A1-related disorder. Also called: COL18A1-related condition; COL18A1-related disorders.

Allele frequency attached by ClinVar (database versions not stated): ExAC 0.00002; gnomAD exomes 0.00002; gnomAD 0.00003.
gnomAD v4.1: 59 of 1,584,936 alleles (0.0037%); highest among the groups gnomAD compares: Non-Finnish European, 0.0051%; no homozygotes.

Submissions (3):

PreventionGenetics, part of Exact Sciences
Classification: Likely benign for COL18A1-related condition. Last evaluated: 2025-03-04. Review status: criteria provided, single submitter. Criteria: ACMG Guidelines, 2015. Collection method: clinical testing. Allele origin: germline.
Comment: This variant is classified as likely benign based on ACMG/AMP sequence variant interpretation guidelines (Richards et al. 2015 PMID: 25741868, with internal and published modifications).

Labcorp Genetics (formerly Invitae), Labcorp
Classification: Likely benign. Last evaluated: 2022-10-08. Review status: criteria provided, single submitter. Criteria: Invitae Variant Classification Sherloc (09022015). Collection method: clinical testing. Allele origin: germline.

Blueprint Genetics
Classification: Likely benign. Last evaluated: 2022-06-16. Review status: criteria provided, single submitter. Criteria: ACMG Guidelines, 2015. Collection method: clinical testing. Allele origin: germline.

NM_001379500.1(COL18A1):c.3039C>T (p.Gly1013=)

Genes: COL18A1 (collagen type XVIII alpha 1 chain; plus strand), SLC19A1 (solute carrier family 19 member 1; minus strand). Cytogenetic location: 21q22.3.
Variant type: single nucleotide variant.
Coding change: c.3039C>T on transcript NM_001379500.1 (MANE Select); coding-DNA position 3039, C replaced by T.
Protein change: p.Gly1013=; no amino-acid change (glycine 1013 retained).
Molecular consequence: synonymous variant.
Genome position (GRCh38, 1-based): chr21:45,505,383, C>T. VCF-style: chr21-45505383-C-T. GRCh37 (hg19) VCF-style: chr21-46925297-C-T.
Other names: c.3570C>T, p.Gly1190= (NM_030582.4); c.4275C>T, p.Gly1425= (NM_130444.3); c.3570C>T (NM_030582.3).
Identifiers: ClinVar variation 1542211 (VCV001542211.10), dbSNP rs749507428, ClinGen allele CA10067653.